The following is an entry in ClinVar:

ClinVar aggregate classification (germline): Uncertain significance (1 of 4 stars; one submission).

Conditions:
Cardiovascular phenotype. Identifiers: MedGen CN230736.

Allele frequency attached by ClinVar (database versions not stated): gnomAD exomes 0.00001.
gnomAD v4.1: 3 of 1,613,040 alleles (0.00019%); highest among the groups gnomAD compares: Non-Finnish European, 0.00025%; no homozygotes.

Submission:

Ambry Genetics
Classification: Uncertain significance for Cardiovascular phenotype. Last evaluated: 2021-06-23. Review status: criteria provided, single submitter. Criteria: Ambry Variant Classification Scheme 2023. Collection method: clinical testing. Allele origin: germline.
Comment: The p.K2202Q variant (also known as c.6604A>C), located in coding exon 40 of the FLNC gene, results from an A to C substitution at nucleotide position 6604. The lysine at codon 2202 is replaced by glutamine, an amino acid with similar properties. This amino acid position is conserved. In addition, the in silico prediction for this alteration is inconclusive. Since supporting evidence is limited at this time, the clinical significance of this alteration remains unclear.

NM_001458.5(FLNC):c.6604A>C (p.Lys2202Gln)

Genes: FLNC (filamin C; plus strand), FLNC-AS1 (FLNC antisense RNA 1; minus strand). Cytogenetic location: 7q32.1.
Variant type: single nucleotide variant.
Coding change: c.6604A>C on transcript NM_001458.5 (MANE Select); coding-DNA position 6604, A replaced by C.
Protein change: p.Lys2202Gln; replaces lysine 2202 with glutamine.
Molecular consequence: missense variant.
Genome position (GRCh38, 1-based): chr7:128,854,093, A>C. VCF-style: chr7-128854093-A-C. GRCh37 (hg19) VCF-style: chr7-128494147-A-C.
Other names: c.6505A>C, p.Lys2169Gln (NM_001127487.2); short protein forms K2202Q, K2169Q.
Identifiers: ClinVar variation 1754426 (VCV001754426.2), dbSNP rs1213024791, ClinGen allele CA369212911.
Genomic context (GRCh38, chr7:128,854,093, plus strand): 5'-AGCCACACCTACACCCGCACGGAGCGCACGGAGATCAGCAAGACGCGGGGCGGGGAGACA[A>C]AGCGCGAGGTGCGGGTGGAGGAGTCCACCCAGGTCGGCGGGGACCCCTTCCCTGCTGTGT-3'
Protein context (NP_001449.3, residues 2192-2212): EISKTRGGET[Lys2202Gln]REVRVEESTQ